The following is an entry in ClinVar:

ClinVar aggregate classification (germline): Likely pathogenic (1 of 4 stars; one submission).

Conditions:
Polycystic kidney disease 9, susceptibility to. Identifiers: MedGen C6012712, MONDO:0976267, OMIM 621164.

Submission:

MVZ Medizinische Genetik Mainz
Classification: Likely pathogenic for Polycystic kidney disease 9, susceptibility to. Last evaluated: 2026-02-11. Review status: criteria provided, single submitter. Criteria: UK Practice Guidelines For Variant Classification V4 01 2020. Collection method: clinical testing. Allele origin: germline. Inheritance: Autosomal dominant inheritance. Affected: yes. Observed: 1 variant allele.
Comment: ACMG Criteria: PVS1,PM2_SUP

NM_014714.4(IFT140):c.1923_1930del (p.Gly642fs)

Gene: IFT140 (intraflagellar transport 140; minus strand). Cytogenetic location: 16p13.3.
Variant type: Deletion.
Coding change: c.1923_1930del on transcript NM_014714.4 (MANE Select); coding-DNA positions 1923 to 1930, 8 bases deleted (GGGACTGA; older notation c.1923_1930delGGGACTGA).
Protein change: p.Gly642fs; shifts the reading frame from glycine 642.
Molecular consequence: frameshift variant.
Genome position (GRCh38, 1-based): chr16:1,564,134-1,564,141, TCAGTCCC deleted on the plus strand (GGGACTGA on the coding strand, the reverse complement: IFT140 is on the minus strand); deleting any 8 consecutive bases within chr16:1,564,134-1,564,144 gives the same sequence; the c. name uses the placement nearest the transcript's 3' end. VCF-style (leftmost placement, unchanged base first): chr16-1564133-TTCAGTCCC-T. GRCh37 (hg19) VCF-style: chr16-1614134-TTCAGTCCC-T.
Other names: short protein forms G642fs.
Identifiers: ClinVar variation 5038193 (VCV005038193.1).